The following is an entry in ClinVar:

ClinVar aggregate classification (germline): Benign. Review status: criteria provided, multiple submitters, no conflicts (2 of 4 stars). 3 submissions from 3 submitters: Benign (3). Last evaluated 2025-09-01.

Allele frequency attached by ClinVar (database versions not stated): 1000 Genomes Project 0.00359; 1000 Genomes Project 30x 0.00375; gnomAD 0.00629 and 0.00639; ESP Exome Variant Server 0.00630; TOPMed 0.00689; gnomAD exomes 0.00694 and 0.00929; ExAC 0.00723.
gnomAD v4.1: 14,513 of 1,614,224 alleles (0.9%); highest among the groups gnomAD compares: Non-Finnish European, 1.1%; 91 homozygotes.

Submissions (3):

CeGaT Center for Human Genetics Tuebingen
Classification: Benign. Last evaluated: 2025-09-01. Review status: criteria provided, single submitter. Criteria: CeGaT Center For Human Genetics Tuebingen Variant Classification Criteria Version 2. Collection method: clinical testing. Allele origin: germline. Affected: yes. Observed: 3 variant alleles.
Comment: ANGPTL6: BP4, BP7, BS1, BS2

Labcorp Genetics (formerly Invitae), Labcorp
Classification: Benign. Last evaluated: 2019-12-31. Review status: criteria provided, single submitter. Criteria: Invitae Variant Classification Sherloc (09022015). Collection method: clinical testing. Allele origin: germline.

Breakthrough Genomics
Classification: Benign. Review status: criteria provided, single submitter. Criteria: ACMG Guidelines, 2015. Collection method: not provided. Allele origin: germline. Inheritance: Unknown mechanism. Affected: yes.

NM_031917.3(ANGPTL6):c.1104C>T (p.Pro368=)

Gene: ANGPTL6 (angiopoietin like 6; minus strand). Cytogenetic location: 19p13.2.
Variant type: single nucleotide variant.
Coding change: c.1104C>T on transcript NM_031917.3 (MANE Select); coding-DNA position 1104, C replaced by T.
Protein change: p.Pro368=; no amino-acid change (proline 368 retained).
Molecular consequence: synonymous variant.
Genome position (GRCh38, 1-based): chr19:10,093,467, G>A on the plus strand (C>T on the coding strand, the complement: ANGPTL6 is on the minus strand). VCF-style: chr19-10093467-G-A. GRCh37 (hg19) VCF-style: chr19-10204143-G-A.
Other names: c.1104C>T, p.Pro368= (NM_001321411.2, NM_001387347.1, NM_001387348.1).
Identifiers: ClinVar variation 778156 (VCV000778156.29), dbSNP rs76783850, ClinGen allele CA9185254.